The following is an entry in ClinVar:

NM_170754.4(TNS2):c.3731G>A (p.Arg1244His)

Gene: TNS2 (tensin 2; plus strand). Cytogenetic location: 12q13.13.
Variant type: single nucleotide variant.
Coding change: c.3731G>A on transcript NM_170754.4 (MANE Select); coding-DNA position 3731, G replaced by A.
Protein change: p.Arg1244His; replaces arginine 1244 with histidine.
Molecular consequence: missense variant.
Genome position (GRCh38, 1-based): chr12:53,062,439, G>A. VCF-style: chr12-53062439-G-A. GRCh37 (hg19) VCF-style: chr12-53456223-G-A.
Other names: c.3731G>A, p.Arg1244His (NM_001416202.1); c.3689G>A, p.Arg1230His (NM_001416203.1); c.3758G>A, p.Arg1253His (NM_001416204.1); c.3662G>A, p.Arg1221His (NM_015319.3); c.3359G>A, p.Arg1120His (NM_198316.2); short protein forms R1120H, R1244H, R1254H, R1221H, R1230H, R1253H.
Identifiers: ClinVar variation 1634944 (VCV001634944.14), dbSNP rs142568866, ClinGen allele CA6592965.

ClinVar aggregate classification (germline): Likely benign. Review status: criteria provided, multiple submitters, no conflicts (2 of 4 stars). 3 submissions from 3 submitters: Likely benign (2). 1 of the submissions does not count toward it. Last evaluated 2026-02-01.

Conditions:
TNS2-related disorder. Also called: TNS2-related condition.

Allele frequency attached by ClinVar (database versions not stated): 1000 Genomes Project 0.00080; ESP Exome Variant Server 0.00092; 1000 Genomes Project 30x 0.00094; TOPMed 0.00100; gnomAD 0.00118 and 0.00122; gnomAD exomes 0.00167 and 0.00186; ExAC 0.00221.
gnomAD v4.1: 2,623 of 1,613,722 alleles (0.16%); highest among the groups gnomAD compares: South Asian, 0.46%; 14 homozygotes.

Submissions (3):

CeGaT Center for Human Genetics Tuebingen
Classification: Likely benign. Last evaluated: 2026-02-01. Review status: criteria provided, single submitter. Criteria: CeGaT Center For Human Genetics Tuebingen Variant Classification Criteria Version 2. Collection method: clinical testing. Allele origin: germline. Affected: yes. Observed: 1 variant allele.
Comment: TNS2: BP4, BS2

Labcorp Genetics (formerly Invitae), Labcorp
Classification: Likely benign. Last evaluated: 2025-10-21. Review status: criteria provided, single submitter. Criteria: Invitae Variant Classification Sherloc (09022015). Collection method: clinical testing. Allele origin: germline.

PreventionGenetics, part of Exact Sciences
Classification: Likely benign for TNS2-related condition. Last evaluated: 2021-04-28. Review status: no assertion criteria provided. Collection method: clinical testing. Allele origin: germline. Not counted in ClinVar's aggregate classification.
Comment: This variant is classified as likely benign based on ACMG/AMP sequence variant interpretation guidelines (Richards et al. 2015 PMID: 25741868, with internal and published modifications).